The following is an entry in ClinVar:

NM_004646.4(NPHS1):c.791C>T (p.Pro264Leu)

Gene: NPHS1 (NPHS1 adhesion molecule, nephrin; minus strand). Cytogenetic location: 19q13.12.
Variant type: single nucleotide variant.
Coding change: c.791C>T on transcript NM_004646.4 (MANE Select); coding-DNA position 791, C replaced by T.
Protein change: p.Pro264Leu; replaces proline 264 with leucine.
Molecular consequence: missense variant.
Genome position (GRCh38, 1-based): chr19:35,849,285, G>A on the plus strand (C>T on the coding strand, the complement: NPHS1 is on the minus strand). VCF-style: chr19-35849285-G-A. GRCh37 (hg19) VCF-style: chr19-36340187-G-A.
Other names: short protein forms P264L.
Identifiers: ClinVar variation 2649761 (VCV002649761.24), dbSNP rs34982899, ClinGen allele CA9390658.

ClinVar aggregate classification (germline): Uncertain significance (1 of 4 stars; one submission).

gnomAD v4.1: 24 of 1,612,932 alleles (0.0015%); highest among the groups gnomAD compares: South Asian, 0.0066%; no homozygotes.

Submission:

CeGaT Center for Human Genetics Tuebingen
Classification: Uncertain significance. Last evaluated: 2023-03-01. Review status: criteria provided, single submitter. Criteria: CeGaT Center For Human Genetics Tuebingen Variant Classification Criteria Version 2. Collection method: clinical testing. Allele origin: germline. Affected: yes. Observed: 1 variant allele.
Comment: NPHS1: PM2, BP4